The following is an entry in ClinVar:

NM_007255.3(B4GALT7):c.685G>A (p.Asp229Asn)

Gene: B4GALT7 (beta-1,4-galactosyltransferase 7; plus strand). Cytogenetic location: 5q35.3.
Variant type: single nucleotide variant.
Coding change: c.685G>A on transcript NM_007255.3 (MANE Select); coding-DNA position 685, G replaced by A.
Protein change: p.Asp229Asn; replaces aspartic acid 229 with asparagine.
Molecular consequence: missense variant.
Genome position (GRCh38, 1-based): chr5:177,608,584, G>A. VCF-style: chr5-177608584-G-A. GRCh37 (hg19) VCF-style: chr5-177035585-G-A.
Other names: short protein forms D229N.
Identifiers: ClinVar variation 1679331 (VCV001679331.7), dbSNP rs753374573, ClinGen allele CA3586633.
Genomic context (GRCh38, chr5:177,608,584, plus strand): 5'-TTGTCTCTGTGTCAGTGCAATGGGATGTCCAACCGCTTCTGGGGCTGGGGCCGCGAGGAC[G>A]ACGAGTTCTACCGGCGCATTAAGGGAGCTGGGCTCCAGGTGAGATTCCCCGGGCCCCGCC-3'
Protein context (NP_009186.1, residues 219-239): NRFWGWGRED[Asp229Asn]EFYRRIKGAG

ClinVar aggregate classification (germline): Uncertain significance. Review status: criteria provided, multiple submitters, no conflicts (2 of 4 stars). 2 submissions from 2 submitters: Uncertain significance (2). Last evaluated 2022-05-16.

Conditions:
Spondylodysplastic Ehlers-Danlos syndrome. Identifiers: Orphanet 536471, Orphanet 75496, MedGen C5680154, MONDO:0007526.
Ehlers-Danlos syndrome, spondylodysplastic type, 1 (EDSSPD1). Also called: Ehlers-Danlos syndrome progeroid type; XGPT DEFICIENCY; XYLOSYLPROTEIN 4-BETA-GALACTOSYLTRANSFERASE DEFICIENCY; DERMATAN SULFATE PROTEOGLYCAN; EHLERS-DANLOS SYNDROME, PROGEROID TYPE, 1; GALACTOSYLTRANSFERASE I DEFICIENCY. Identifiers: Orphanet 75496, MedGen C4552003, MONDO:0020682, OMIM 130070.

Allele frequency attached by ClinVar (database versions not stated): ExAC 0.00001; gnomAD 0.00001; gnomAD exomes 0.00001; TOPMed 0.00001.

Submissions (2):

Labcorp Genetics (formerly Invitae), Labcorp
Classification: Uncertain significance for Spondylodysplastic Ehlers-Danlos syndrome. Last evaluated: 2022-05-16. Review status: criteria provided, single submitter. Criteria: Invitae Variant Classification Sherloc (09022015). Collection method: clinical testing. Allele origin: germline.
Comment: Algorithms developed to predict the effect of missense changes on protein structure and function are either unavailable or do not agree on the potential impact of this missense change (SIFT: "Deleterious"; PolyPhen-2: "Probably Damaging"; Align-GVGD: "Class C15"). This variant has not been reported in the literature in individuals affected with B4GALT7-related conditions. This variant is present in population databases (rs753374573, gnomAD 0.004%). This sequence change replaces aspartic acid, which is acidic and polar, with asparagine, which is neutral and polar, at codon 229 of the B4GALT7 protein (p.Asp229Asn). In summary, the available evidence is currently insufficient to determine the role of this variant in disease. Therefore, it has been classified as a Variant of Uncertain Significance.

Department of Clinical Genetics, Copenhagen University Hospital, Rigshospitalet
Classification: Uncertain significance for Ehlers-Danlos syndrome, spondylodysplastic type, 1. Last evaluated: 2021-08-01. Review status: criteria provided, single submitter. Criteria: ACMG Guidelines, 2015. Collection method: clinical testing. Allele origin: unknown. Affected: yes.